The following is an entry in ClinVar:

NM_005476.7(GNE):c.1762G>A (p.Glu588Lys)

Gene: GNE (glucosamine (UDP-N-acetyl)-2-epimerase/N-acetylmannosamine kinase; minus strand). Cytogenetic location: 9p13.3.
Variant type: single nucleotide variant.
Coding change: c.1762G>A on transcript NM_005476.7 (MANE Select); coding-DNA position 1762, G replaced by A.
Protein change: p.Glu588Lys; replaces glutamic acid 588 with lysine.
Molecular consequence: missense variant.
Genome position (GRCh38, 1-based): chr9:36,219,892, C>T on the plus strand (G>A on the coding strand, the complement: GNE is on the minus strand). VCF-style: chr9-36219892-C-T. GRCh37 (hg19) VCF-style: chr9-36219889-C-T.
Other names: c.1855G>A, p.Glu619Lys (NM_001128227.3); c.1540G>A, p.Glu514Lys (NM_001190383.3); c.1432G>A, p.Glu478Lys (NM_001190384.3); c.1585G>A, p.Glu529Lys (NM_001190388.2, NM_001374798.1); c.1609G>A, p.Glu537Lys (NM_001374797.1); short protein forms E619K, E537K, E514K, E588K, E478K, E529K.
Identifiers: ClinVar variation 1510991 (VCV001510991.8), dbSNP rs2133006485, ClinGen allele CA373425585.

ClinVar aggregate classification (germline): Uncertain significance (1 of 4 stars; one submission).

Conditions:
GNE myopathy (NM). Also called: MYOPATHY, DISTAL, WITH OR WITHOUT RIMMED VACUOLES; NONAKA DISTAL MYOPATHY; INCLUSION BODY MYOPATHY, HEREDITARY, AUTOSOMAL RECESSIVE; INCLUSION BODY MYOPATHY 2, AUTOSOMAL RECESSIVE; IBM 2; Inclusion body myopathy autosomal recessive. Identifiers: Orphanet 602, MedGen C1853926, MONDO:0011603, OMIM 605820.
Sialuria. Also called: Sialic Acid Storage Disease; SIALURIA, FRENCH TYPE. Identifiers: Orphanet 3166, MedGen C0342853, MONDO:0010028, OMIM 269921.

Submission:

Labcorp Genetics (formerly Invitae), Labcorp
Classification: Uncertain significance for Sialuria; GNE myopathy. Last evaluated: 2021-05-17. Review status: criteria provided, single submitter. Criteria: Invitae Variant Classification Sherloc (09022015). Collection method: clinical testing. Allele origin: germline.
Comment: This sequence change replaces glutamic acid with lysine at codon 619 of the GNE protein (p.Glu619Lys). The glutamic acid residue is highly conserved and there is a small physicochemical difference between glutamic acid and lysine. In summary, the available evidence is currently insufficient to determine the role of this variant in disease. Therefore, it has been classified as a Variant of Uncertain Significance. Advanced modeling of protein sequence and biophysical properties (such as structural, functional, and spatial information, amino acid conservation, physicochemical variation, residue mobility, and thermodynamic stability) performed at Invitae indicates that this missense variant is expected to disrupt GNE protein function. This variant has not been reported in the literature in individuals with GNE-related conditions. This variant is not present in population databases (ExAC no frequency).